The following is an entry in ClinVar:

NM_000051.4(ATM):c.5320-14C>T

Gene: ATM (ATM serine/threonine kinase; plus strand). Cytogenetic location: 11q22.3.
Variant type: single nucleotide variant.
Coding change: c.5320-14C>T on transcript NM_000051.4 (MANE Select); 14 bases into the intron before coding-DNA position 5320, C replaced by T.
Molecular consequence: intron variant.
Genome position (GRCh38, 1-based): chr11:108,302,839, C>T. VCF-style: chr11-108302839-C-T. GRCh37 (hg19) VCF-style: chr11-108173566-C-T.
Other names: c.5320-14C>T (NM_001351834.2).
Identifiers: ClinVar variation 387866 (VCV000387866.8), dbSNP rs182663175, ClinGen allele CA16605812.

ClinVar aggregate classification (germline): Likely benign. Review status: criteria provided, multiple submitters, no conflicts (2 of 4 stars). 5 submissions from 5 submitters: Likely benign (5). Last evaluated 2025-03-30.

Conditions:
Hereditary cancer-predisposing syndrome. Also called: Tumor predisposition; Neoplastic Syndromes, Hereditary; Hereditary neoplastic syndrome; Hereditary Cancer Syndrome. Identifiers: Orphanet 140162, MedGen C0027672, MeSH D009386, MONDO:0015356.
Familial cancer of breast. Also called: BREAST CANCER, FAMILIAL; Hereditary breast cancer; hereditary breast carcinoma. Identifiers: Orphanet 227535, MedGen C0346153, MONDO:0016419, OMIM 114480. Disease mechanism: loss of function.
Ataxia-telangiectasia syndrome (AT). Also called: LOUIS-BAR SYNDROME; ATAXIA-TELANGIECTASIA, COMPLEMENTATION GROUP A; ATAXIA-TELANGIECTASIA, FRESNO VARIANT; Ataxia-telangiectasia; Ataxia-telangiectasia, complementation group D; AT, COMPLEMENTATION GROUP C. Identifiers: Orphanet 100, MedGen C0004135, MONDO:0008840, OMIM 208900.

Submissions (5):

Labcorp Genetics (formerly Invitae), Labcorp
Classification: Likely benign for Ataxia-telangiectasia syndrome. Last evaluated: 2025-03-30. Review status: criteria provided, single submitter. Criteria: Invitae Variant Classification Sherloc (09022015). Collection method: clinical testing. Allele origin: germline.

Myriad Genetics, Inc.
Classification: Likely benign for Familial cancer of breast. Last evaluated: 2024-05-23. Review status: criteria provided, single submitter. Criteria: Myriad Autosomal Dominant, Autosomal Recessive and X-Linked Classification Criteria (2023). Collection method: clinical testing. Allele origin: unknown.
Comment: This variant is considered likely benign. This variant is intronic and is not expected to impact mRNA splicing.

Blueprint Genetics
Classification: Likely benign. Last evaluated: 2018-07-19. Review status: criteria provided, single submitter. Criteria: ACMG Guidelines, 2015. Collection method: clinical testing. Allele origin: germline.

GeneDx
Classification: Likely benign. Last evaluated: 2016-07-13. Review status: criteria provided, single submitter. Criteria: GeneDx Variant Classification (06012015). Collection method: clinical testing. Allele origin: germline. Affected: yes.
Comment: This variant is considered likely benign or benign based on one or more of the following criteria: it is a conservative change, it occurs at a poorly conserved position in the protein, it is predicted to be benign by multiple in silico algorithms, and/or has population frequency not consistent with disease.

Color Diagnostics, LLC DBA Color Health
Classification: Likely benign for Hereditary cancer-predisposing syndrome. Last evaluated: 2016-05-03. Review status: criteria provided, single submitter. Criteria: ACMG Guidelines, 2015. Collection method: clinical testing. Allele origin: germline.